The following is an entry in ClinVar:

ClinVar aggregate classification (germline): Uncertain significance (1 of 4 stars; one submission).

Conditions:
Asphyxiating thoracic dystrophy 3. Also called: Short rib polydactyly syndrome 2B; Saldino-Noonan Syndrome; POLYDACTYLY WITH NEONATAL CHONDRODYSTROPHY, TYPE I; SHORT-RIB THORACIC DYSPLASIA 3/6 WITH POLYDACTYLY, DIGENIC; SHORT-RIB THORACIC DYSPLASIA 3 WITH OR WITHOUT POLYDACTYLY. Identifiers: Orphanet 474, Orphanet 93269, Orphanet 93270, Orphanet 93271, MedGen C0036069, MONDO:0013127, OMIM 613091.

Submission:

Juno Genomics, Hangzhou Juno Genomics, Inc
Classification: Uncertain significance for Asphyxiating thoracic dystrophy 3. Review status: criteria provided, single submitter. Criteria: ACMG Guidelines, 2015. Collection method: clinical testing. Allele origin: germline.
Comment: Absent from controls (or at extremely low frequency if recessive) in Genome Aggregation Database.;Null variant in a gene where loss of function (LOF) is a known mechanism of disease.

NM_001377.3(DYNC2H1):c.11022+1G>C

Gene: DYNC2H1 (dynein cytoplasmic 2 heavy chain 1; plus strand). Cytogenetic location: 11q22.3.
Variant type: single nucleotide variant.
Coding change: c.11022+1G>C on transcript NM_001377.3 (MANE Select); the canonical splice donor site of the intron after coding-DNA position 11022, G replaced by C.
Molecular consequence: splice donor variant.
Genome position (GRCh38, 1-based): chr11:103,286,387, G>C. VCF-style: chr11-103286387-G-C. GRCh37 (hg19) VCF-style: chr11-103157116-G-C.
Other names: c.11043+1G>C (NM_001080463.2).
Identifiers: ClinVar variation 5019376 (VCV005019376.3).
Genomic context (GRCh38, chr11:103,286,387, plus strand): 5'-TCAATGTGTGAGCAAGAGTTTCCATCTATCCTTGCAAAGAAAGTTTCCTTATTTCAGCAG[G>C]TAAAATTTAGTGTTATCTAAATGCAAAAAAGTGTTTAATGTTTCTCTTATTATTCAGAAG-3'